The following is an entry in ClinVar:

ClinVar aggregate classification (germline): Uncertain significance (1 of 4 stars; one submission).

Conditions:
Hereditary cancer-predisposing syndrome. Also called: Neoplastic Syndromes, Hereditary; Tumor predisposition; Hereditary Cancer Syndrome; Hereditary neoplastic syndrome. Identifiers: Orphanet 140162, MedGen C0027672, MeSH D009386, MONDO:0015356.

Submission:

Ambry Genetics
Classification: Uncertain significance for Hereditary cancer-predisposing syndrome. Last evaluated: 2018-09-13. Review status: criteria provided, single submitter. Criteria: Ambry Variant Classification Scheme 2023. Collection method: clinical testing. Allele origin: germline.
Comment: The p.R134P variant (also known as c.401G>C), located in coding exon 5 of the PMS2 gene, results from a G to C substitution at nucleotide position 401. The arginine at codon 134 is replaced by proline, an amino acid with dissimilar properties. This amino acid position is well conserved in available vertebrate species. In addition, this alteration is predicted to be deleterious by in silico analysis. Since supporting evidence is limited at this time, the clinical significance of this alteration remains unclear.

NM_000535.7(PMS2):c.401G>C (p.Arg134Pro)

Gene: PMS2 (PMS1 homolog 2, mismatch repair system component; minus strand). Cytogenetic location: 7p22.1.
Variant type: single nucleotide variant.
Coding change: c.401G>C on transcript NM_000535.7 (MANE Select); coding-DNA position 401, G replaced by C.
Protein change: p.Arg134Pro; replaces arginine 134 with proline.
Molecular consequence: missense variant. On other transcripts: non-coding transcript variant (1), 5 prime UTR variant (8).
Genome position (GRCh38, 1-based): chr7:6,002,589, C>G on the plus strand (G>C on the coding strand, the complement: PMS2 is on the minus strand). VCF-style: chr7-6002589-C-G. GRCh37 (hg19) VCF-style: chr7-6042220-C-G.
Other names: c.-5G>C (NM_001406899.1, NM_001406904.1, NM_001406905.1 and 25 more transcripts); c.92G>C, p.Arg31Pro (NM_001406900.1, NM_001322015.2, NM_001406875.1 and 6 more transcripts); c.83G>C, p.Arg28Pro (NM_001406901.1, NM_001406902.1, NM_001406903.1 and 4 more transcripts); c.401G>C, p.Arg134Pro (NM_001406912.1, NM_001322006.2, NM_001322014.2 and 8 more transcripts); c.-484G>C (NM_001322011.2, NM_001322012.2); c.587G>C, p.Arg196Pro (NM_001406866.1); c.425G>C, p.Arg142Pro (NM_001406868.1); short protein forms R134P, R196P, R142P, R31P, R28P.
Identifiers: ClinVar variation 1737100 (VCV001737100.2), dbSNP rs771300829, ClinGen allele CA366744425.